The following is an entry in ClinVar:

ClinVar aggregate classification (germline): Uncertain significance. Review status: criteria provided, multiple submitters, no conflicts (2 of 4 stars). 2 submissions from 2 submitters: Uncertain significance (2). Last evaluated 2025-05-05.

Conditions:
Inborn genetic diseases. Identifiers: MedGen C0950123, MeSH D030342.
SIM1-related disorder. Also called: SIM1-related disorders; SIM1-related condition.

Allele frequency attached by ClinVar (database versions not stated): TOPMed 0.00004; 1000 Genomes Project 30x 0.00016; 1000 Genomes Project 0.00020.
gnomAD v4.1: 90 of 1,614,110 alleles (0.0056%); highest among the groups gnomAD compares: Non-Finnish European, 0.007%; no homozygotes.

Submissions (2):

Ambry Genetics
Classification: Uncertain significance for Inborn genetic diseases. Last evaluated: 2025-05-05. Review status: criteria provided, single submitter. Criteria: Ambry Variant Classification Scheme 2023. Collection method: clinical testing. Allele origin: germline.

PreventionGenetics, part of Exact Sciences
Classification: Uncertain significance for SIM1-related condition. Last evaluated: 2025-05-05. Review status: criteria provided, single submitter. Criteria: ACMG Guidelines, 2015. Collection method: clinical testing. Allele origin: germline.
Comment: The SIM1 c.1445C>G variant is predicted to result in the amino acid substitution p.Pro482Arg. To our knowledge, this variant has not been reported in the literature. This variant is reported in 0.0062% of alleles in individuals of European (Non-Finnish) descent in gnomAD. At this time, the clinical significance of this variant is uncertain due to the absence of conclusive functional and genetic evidence.

NM_005068.3(SIM1):c.1445C>G (p.Pro482Arg)

Genes: SIM1 (SIM bHLH transcription factor 1; minus strand), SIM1-AS1 (SIM1 antisense RNA 1; plus strand). Cytogenetic location: 6q16.3.
Variant type: single nucleotide variant.
Coding change: c.1445C>G on transcript NM_005068.3 (MANE Select); coding-DNA position 1445, C replaced by G.
Protein change: p.Pro482Arg; replaces proline 482 with arginine.
Molecular consequence: missense variant.
Genome position (GRCh38, 1-based): chr6:100,393,612, G>C on the plus strand (C>G on the coding strand, the complement: SIM1 is on the minus strand). VCF-style: chr6-100393612-G-C. GRCh37 (hg19) VCF-style: chr6-100841488-G-C.
Other names: c.1445C>G, p.Pro482Arg (NM_001374769.1); short protein forms P482R.
Identifiers: ClinVar variation 2377224 (VCV002377224.6), dbSNP rs199918816, ClinGen allele CA3937021.